The following is an entry in ClinVar:

ClinVar aggregate classification (germline): Likely benign. Review status: criteria provided, multiple submitters, no conflicts (2 of 4 stars). 4 submissions from 4 submitters: Likely benign (4). Last evaluated 2025-03-02.

Conditions:
Marfan syndrome (MFS). Also called: Marfan syndrome type 1; Marfan's syndrome; Marfan syndrome, classic; MARFAN SYNDROME, TYPE I; FBN1-Related Marfan Syndrome. Identifiers: Orphanet 284963, Orphanet 558, MedGen C0024796, MONDO:0007947, OMIM 154700.
Familial thoracic aortic aneurysm and aortic dissection (TAAD). Also called: Thoracic aortic aneurysms and dissections. Identifiers: Orphanet 91387, MedGen C4707243, MONDO:0019625.

Allele frequency attached by ClinVar (database versions not stated): gnomAD 0.00002 and 0.00003; TOPMed below 0.00001; 1000 Genomes Project 30x 0.00016; 1000 Genomes Project 0.00020.
gnomAD v4.1: 7 of 1,614,144 alleles (0.00043%); highest among the groups gnomAD compares: Admixed American, 0.005%; no homozygotes.

Submissions (4):

Ambry Genetics
Classification: Likely benign for Familial thoracic aortic aneurysm and aortic dissection. Last evaluated: 2025-03-02. Review status: criteria provided, single submitter. Criteria: Ambry Variant Classification Scheme 2023. Collection method: clinical testing. Allele origin: germline.

All of Us Research Program, National Institutes of Health
Classification: Likely benign for Marfan syndrome. Last evaluated: 2024-07-20. Review status: criteria provided, single submitter. Criteria: ACMG Guidelines, 2015. Collection method: clinical testing. Allele origin: germline. Inheritance: Autosomal dominant inheritance. Observed: 1 variant allele, 1 heterozygote.
Comment: This study involves interpretation of variants in research participants for the purpose of population health screening. Participant phenotype was not available at the time of variant classification. Additional details can be found in publication PMID: 35346344, PMCID: PMC8962531

Labcorp Genetics (formerly Invitae), Labcorp
Classification: Likely benign for Marfan syndrome; Familial thoracic aortic aneurysm and aortic dissection. Last evaluated: 2022-11-02. Review status: criteria provided, single submitter. Criteria: Invitae Variant Classification Sherloc (09022015). Collection method: clinical testing. Allele origin: germline.

Color Diagnostics, LLC DBA Color Health
Classification: Likely benign for Familial thoracic aortic aneurysm and aortic dissection. Last evaluated: 2021-01-04. Review status: criteria provided, single submitter. Criteria: ACMG Guidelines, 2015. Collection method: clinical testing. Allele origin: germline.

NM_000138.5(FBN1):c.7524A>G (p.Thr2508=)

Gene: FBN1 (fibrillin 1; minus strand). Cytogenetic location: 15q21.1.
Variant type: single nucleotide variant.
Coding change: c.7524A>G on transcript NM_000138.5 (MANE Select); coding-DNA position 7524, A replaced by G.
Protein change: p.Thr2508=; no amino-acid change (threonine 2508 retained).
Molecular consequence: synonymous variant.
Genome position (GRCh38, 1-based): chr15:48,421,998, T>C on the plus strand (A>G on the coding strand, the complement: FBN1 is on the minus strand). VCF-style: chr15-48421998-T-C. GRCh37 (hg19) VCF-style: chr15-48714195-T-C.
Identifiers: ClinVar variation 1172163 (VCV001172163.7), dbSNP rs201992942, ClinGen allele CA269519919.